The following is an entry in ClinVar:

NM_001387263.1(PATL2):c.4A>G (p.Asn2Asp)

Gene: PATL2 (PAT1 homolog 2; minus strand). Cytogenetic location: 15q21.1.
Variant type: single nucleotide variant.
Coding change: c.4A>G on transcript NM_001387263.1 (MANE Select); coding-DNA position 4, A replaced by G.
Protein change: p.Asn2Asp; replaces asparagine 2 with aspartic acid.
Molecular consequence: missense variant. On other transcripts: 5 prime UTR variant (1).
Genome position (GRCh38, 1-based): chr15:44,676,487, T>C on the plus strand (A>G on the coding strand, the complement: PATL2 is on the minus strand). VCF-style: chr15-44676487-T-C. GRCh37 (hg19) VCF-style: chr15-44968685-T-C.
Other names: c.4A>G, p.Asn2Asp (NM_001145112.2, NM_001387260.1, NM_001387261.1 and 2 more transcripts); c.-479A>G (NM_001330283.2); short protein forms N2D.
Identifiers: ClinVar variation 3383084 (VCV003383084.2).

ClinVar aggregate classification (germline): Uncertain significance (1 of 4 stars; one submission).

Conditions:
Oocyte maturation defect 4. Also called: OOCYTE/ZYGOTE/EMBRYO MATURATION ARREST 4. Identifiers: MedGen C4540284, MONDO:0021575, OMIM 617743.

gnomAD v4.1: 8 of 1,551,440 alleles (0.00052%); highest among the groups gnomAD compares: East Asian, 0.0098%; no homozygotes.

Submission:

Juno Genomics, Hangzhou Juno Genomics, Inc
Classification: Uncertain significance for Oocyte maturation defect 4. Review status: criteria provided, single submitter. Criteria: ACMG Guidelines, 2015. Collection method: clinical testing. Allele origin: germline. Affected: yes.
Comment: Absent from controls (or at extremely low frequency if recessive) in Genome Aggregation Database, Exome Sequencing Project, 1000 Genomes Project, or Exome Aggregation Consortium.;Patient's phenotype or family history is highly specific for a disease with a single genetic etiology.;Multiple lines of computational evidence suggest no impact on gene or gene product (conservation, evolutionary, splicing impact, etc).